The following is an entry in ClinVar:

NM_000447.3(PSEN2):c.442G>A (p.Val148Ile)

Gene: PSEN2 (presenilin 2; plus strand). Cytogenetic location: 1q42.13.
Variant type: single nucleotide variant.
Coding change: c.442G>A on transcript NM_000447.3 (MANE Select); coding-DNA position 442, G replaced by A.
Protein change: p.Val148Ile; replaces valine 148 with isoleucine.
Molecular consequence: missense variant.
Genome position (GRCh38, 1-based): chr1:226,885,623, G>A. VCF-style: chr1-226885623-G-A. GRCh37 (hg19) VCF-style: chr1-227073324-G-A.
Other names: c.442G>A, p.Val148Ile (NM_012486.3); short protein forms V148I.
Identifiers: ClinVar variation 97996 (VCV000097996.6), dbSNP rs63750812, ClinGen allele CA224954.

ClinVar aggregate classification (germline): Uncertain significance. Review status: criteria provided, single submitter (1 of 4 stars). 2 submissions from 2 submitters: Uncertain significance (1). 1 of the submissions does not count toward it. Last evaluated 2022-09-05.

Conditions:
Alzheimer disease 4 (AD4). Identifiers: Orphanet 1020, MedGen C1847200, MONDO:0011743, OMIM 606889.

Allele frequency attached by ClinVar (database versions not stated): TOPMed below 0.00001; gnomAD 0.00001; gnomAD exomes 0.00002.
gnomAD v4.1: 10 of 1,613,014 alleles (0.00062%); highest among the groups gnomAD compares: Admixed American, 0.0017%; no homozygotes.

Submissions (2):

Labcorp Genetics (formerly Invitae), Labcorp
Classification: Uncertain significance for Alzheimer disease 4. Last evaluated: 2022-09-05. Review status: criteria provided, single submitter. Criteria: Invitae Variant Classification Sherloc (09022015). Collection method: clinical testing. Allele origin: germline.
Comment: This sequence change replaces valine, which is neutral and non-polar, with isoleucine, which is neutral and non-polar, at codon 148 of the PSEN2 protein (p.Val148Ile). In summary, the available evidence is currently insufficient to determine the role of this variant in disease. Therefore, it has been classified as a Variant of Uncertain Significance. Experimental studies have shown that this missense change does not substantially affect PSEN2 function (PMID: 15663477). Algorithms developed to predict the effect of missense changes on protein structure and function are either unavailable or do not agree on the potential impact of this missense change (SIFT: "Deleterious"; PolyPhen-2: "Benign"; Align-GVGD: "Class C25"). ClinVar contains an entry for this variant (Variation ID: 97996). This missense change has been observed in individual(s) with dementia and Alzheimer's disease (PMID: 10732806, 30279455). This variant is present in population databases (rs63750812, gnomAD 0.002%).

VIB  Department of Molecular Genetics, University of Antwerp
No classification provided. Review status: no classification provided. Collection method: not provided. Allele origin: not provided. Not counted in ClinVar's aggregate classification.

Literature cited by the submitters: PubMed 15663477 (cited by Labcorp Genetics (formerly Invitae), Labcorp); PubMed 10732806 (cited by Labcorp Genetics (formerly Invitae), Labcorp); PubMed 30279455 (cited by Labcorp Genetics (formerly Invitae), Labcorp).